The following is an entry in ClinVar:

ClinVar aggregate classification (germline): Uncertain significance. Review status: criteria provided, multiple submitters, no conflicts (2 of 4 stars). 2 submissions from 2 submitters: Uncertain significance (2). Last evaluated 2025-05-26.

Conditions:
Familial thoracic aortic aneurysm and aortic dissection (TAAD). Also called: Thoracic aortic aneurysms and dissections. Identifiers: Orphanet 91387, MedGen C4707243, MONDO:0019625.

Submissions (2):

Color Diagnostics, LLC DBA Color Health
Classification: Uncertain significance for Familial thoracic aortic aneurysm and aortic dissection. Last evaluated: 2025-05-26. Review status: criteria provided, single submitter. Criteria: ACMG Guidelines, 2015. Collection method: clinical testing. Allele origin: germline.
Comment: This missense variant replaces leucine with histidine at codon 2597 of the FBN1 protein. Computational prediction tool is inconclusive regarding the impact of this variant on protein structure and function. To our knowledge, functional studies have not been reported for this variant. This variant has been reported in an individual suspected to be affected with Marfan syndrome (PMID: 25652356). This variant has not been identified in the general population by the Genome Aggregation Database (gnomAD). The available evidence is insufficient to determine the role of this variant in disease conclusively. Therefore, this variant is classified as a Variant of Uncertain Significance.

GeneDx
Classification: Uncertain significance. Last evaluated: 2025-03-26. Review status: criteria provided, single submitter. Criteria: GeneDx Variant Classification Process June 2021. Collection method: clinical testing. Allele origin: germline. Affected: yes.
Comment: Not observed at significant frequency in large population cohorts (gnomAD); In silico analysis supports that this missense variant has a deleterious effect on protein structure/function; Has not been previously published as pathogenic or benign to our knowledge; Does not affect a cysteine or calcium-binding residue within an EGF-like domain or a TGF-binding protein domain of the FBN1 gene; cysteine substitutions in the EGF-like domains represent the majority of pathogenic missense changes associated with FBN1-related disorders (PMID: 12938084); This variant is associated with the following publications: (PMID: 12938084)

Literature cited by the submitters: PubMed 25652356 (cited by Color Diagnostics, LLC DBA Color Health).

NM_000138.5(FBN1):c.7790T>A (p.Leu2597His)

Gene: FBN1 (fibrillin 1; minus strand). Cytogenetic location: 15q21.1.
Variant type: single nucleotide variant.
Coding change: c.7790T>A on transcript NM_000138.5 (MANE Select); coding-DNA position 7790, T replaced by A.
Protein change: p.Leu2597His; replaces leucine 2597 with histidine.
Molecular consequence: missense variant.
Genome position (GRCh38, 1-based): chr15:48,420,716, A>T on the plus strand (T>A on the coding strand, the complement: FBN1 is on the minus strand). VCF-style: chr15-48420716-A-T. GRCh37 (hg19) VCF-style: chr15-48712913-A-T.
Other names: c.7790T>A, p.Leu2597His (NM_001406716.1); short protein forms L2597H.
Identifiers: ClinVar variation 4088121 (VCV004088121.2).
Genomic context (GRCh38, chr15:48,420,716, plus strand): 5'-TGCATCTTGAGAGTGAGGAAAAGTTACTTGCCAACACACTGGTTCCACTGGTAGTGCTGG[A>T]GGTAGCCCTGGGGGCAGCTGCACCTGTAGCCCCCAATGATGTTCTGGCAGCCATGCTGGC-3'
Protein context (NP_000129.3, residues 2587-2607): GYRCSCPQGY[Leu2597His]QHYQWNQCVD